The following is an entry in ClinVar:

NM_001379200.1(TBX1):c.366G>C (p.Gln122His)

Gene: TBX1 (T-box transcription factor 1; plus strand). Cytogenetic location: 22q11.21.
Variant type: single nucleotide variant.
Coding change: c.366G>C on transcript NM_001379200.1 (MANE Select); coding-DNA position 366, G replaced by C.
Protein change: p.Gln122His; replaces glutamine 122 with histidine.
Molecular consequence: missense variant.
Genome position (GRCh38, 1-based): chr22:19,761,209, G>C. VCF-style: chr22-19761209-G-C. GRCh37 (hg19) VCF-style: chr22-19748732-G-C.
Other names: c.339G>C, p.Gln113His (NM_005992.1, NM_080646.2, NM_080647.1); short protein forms Q113H, Q122H.
Identifiers: ClinVar variation 2693199 (VCV002693199.3), dbSNP rs2517842894, ClinGen allele CA410681704.

ClinVar aggregate classification (germline): Uncertain significance (1 of 4 stars; one submission).

Conditions:
DiGeorge syndrome. Also called: Catch22; THIRD AND FOURTH PHARYNGEAL POUCH SYNDROME. Identifiers: Orphanet 567, MedGen C0012236, MONDO:0008564, OMIM 188400.

Submission:

Labcorp Genetics (formerly Invitae), Labcorp
Classification: Uncertain significance for DiGeorge syndrome. Last evaluated: 2023-11-04. Review status: criteria provided, single submitter. Criteria: Invitae Variant Classification Sherloc (09022015). Collection method: clinical testing. Allele origin: germline.
Comment: This sequence change replaces glutamine, which is neutral and polar, with histidine, which is basic and polar, at codon 113 of the TBX1 protein (p.Gln113His). This variant is not present in population databases (gnomAD no frequency). This variant has not been reported in the literature in individuals affected with TBX1-related conditions. Advanced modeling of protein sequence and biophysical properties (such as structural, functional, and spatial information, amino acid conservation, physicochemical variation, residue mobility, and thermodynamic stability) performed at Invitae indicates that this missense variant is not expected to disrupt TBX1 protein function with a negative predictive value of 80%. In summary, the available evidence is currently insufficient to determine the role of this variant in disease. Therefore, it has been classified as a Variant of Uncertain Significance.